The following is an entry in ClinVar:

ClinVar aggregate classification (germline): Pathogenic. Review status: criteria provided, multiple submitters, no conflicts (2 of 4 stars). 2 submissions from 2 submitters: Pathogenic (2). Last evaluated 2019-08-21.

Conditions:
Freeman-Sheldon syndrome (DA2A). Also called: WHISTLING FACE-WINDMILL VANE HAND SYNDROME; Arthrogryposis, distal, type 2A (Freeman-Sheldon); CRANIOCARPOTARSAL DYSPLASIA; CRANIOCARPOTARSAL DYSTROPHY. Identifiers: Orphanet 2053, MedGen C0265224, MONDO:0008675, OMIM 193700.
Contractures, pterygia, and spondylocarpotarsal fusion syndrome 1A (CPSFS1A). Also called: MULTIPLE PTERYGIUM SYNDROME, AUTOSOMAL DOMINANT; Distal arthrogryposis type 8; Contractures, pterygia, and variable skeletal fusions syndrome 1A. Identifiers: Orphanet 65743, MedGen C1867440, MONDO:0008338, OMIM 178110.
Contractures, pterygia, and variable skeletal fusions syndrome 1B. Also called: CONTRACTURES, PTERYGIA, AND SPONDYLOCARPOTARSAL FUSION SYNDROME 1B. Identifiers: MedGen C5193114, MONDO:0020746, OMIM 618469.
Arthrogryposis, distal, type 2B3. Also called: Arthrogryposis, distal, type 2B3 (Sheldon-Hall). Identifiers: MedGen C5193098, MONDO:0032751, OMIM 618436.

Submissions (2):

SIB Swiss Institute of Bioinformatics
Classification: Pathogenic for Freeman-Sheldon syndrome. Last evaluated: 2019-08-21. Review status: criteria provided, single submitter. Criteria: ACMG Guidelines, 2015. Collection method: curation. Allele origin: unknown.
Comment: This variant is interpreted as a Pathogenic for Arthrogryposis, distal, type 2A, autosomal dominant. The following ACMG Tag(s) were applied: PM2, PP3, PM1, PM6, PS3.

Juno Genomics, Hangzhou Juno Genomics, Inc
Classification: Pathogenic for Freeman-Sheldon syndrome; Arthrogryposis, distal, type 2B3; Contractures, pterygia, and spondylocarpotarsal fusion syndrome 1A; Contractures, pterygia, and variable skeletal fusions syndrome 1B. Review status: criteria provided, single submitter. Criteria: ACMG Guidelines, 2015. Collection method: clinical testing. Allele origin: germline. Affected: yes.
Comment: Absent from controls (or at extremely low frequency if recessive) in Genome Aggregation Database, Exome Sequencing Project, 1000 Genomes Project, or Exome Aggregation Consortium.;Multiple lines of computational evidence support a deleterious effect on the gene or gene product (conservation, evolutionary, splicing impact, etc).;Patient's phenotype or family history is highly specific for a disease with a single genetic etiology.;De novo (both maternity and paternity confirmed) in a patient with the disease and no family history.;The prevalence of the variant in affected individuals is significantly increased compared to the prevalence in controls.;Well-established in vitro or in vivo functional studies supportive of a damaging effect on the gene or gene product.

Literature cited by the submitters: PubMed 16642020 (cited by SIB Swiss Institute of Bioinformatics); PubMed 30379605 (cited by SIB Swiss Institute of Bioinformatics).

NM_002470.4(MYH3):c.1748A>C (p.Tyr583Ser)

Gene: MYH3 (myosin heavy chain 3; minus strand). Cytogenetic location: 17p13.1.
Variant type: single nucleotide variant.
Coding change: c.1748A>C on transcript NM_002470.4 (MANE Select); coding-DNA position 1748, A replaced by C.
Protein change: p.Tyr583Ser; replaces tyrosine 583 with serine.
Molecular consequence: missense variant.
Genome position (GRCh38, 1-based): chr17:10,642,557, T>G on the plus strand (A>C on the coding strand, the complement: MYH3 is on the minus strand). VCF-style: chr17-10642557-T-G. GRCh37 (hg19) VCF-style: chr17-10545874-T-G.
Other names: short protein forms Y583S.
Identifiers: ClinVar variation 694360 (VCV000694360.3), dbSNP rs1597488038, ClinGen allele CA398171374.
Genomic context (GRCh38, chr17:10,642,557, plus strand): 5'-TTCAGAGGGTCCTTGTTCTTCTCCAGCCAACCTGAGACACTGTAGTCCACGGTGCCCGCA[T>G]AGTGGATCAGTGAGAAGTGAGCCTCGGCCCTGCCTTTGACCACCTTGGGCTTCTGGAAGT-3'
Protein context (NP_002461.2, residues 573-593): RAEAHFSLIH[Tyr583Ser]AGTVDYSVSG